The following is an entry in ClinVar:

ClinVar aggregate classification (germline): Likely pathogenic (1 of 4 stars; one submission).

Submission:

GeneDx
Classification: Likely pathogenic. Last evaluated: 2025-06-23. Review status: criteria provided, single submitter. Criteria: GeneDx Variant Classification Process June 2021. Collection method: clinical testing. Allele origin: germline. Affected: yes.
Comment: Frameshift variant predicted to result in abnormal protein length as the last 179 amino acid(s) are replaced with 35 different amino acid(s), and other similar variants have been reported in HGMD; Not observed at significant frequency in large population cohorts (gnomAD); Has not been previously published as pathogenic or benign to our knowledge

NM_000834.5(GRIN2B):c.3915dup (p.Thr1306fs)

Gene: GRIN2B (glutamate ionotropic receptor NMDA type subunit 2B; minus strand). Cytogenetic location: 12p13.1.
Variant type: Duplication.
Coding change: c.3915dup on transcript NM_000834.5 (MANE Select); coding-DNA position 3915, one base duplicated (C; older notation c.3915dupC).
Protein change: p.Thr1306fs; shifts the reading frame from threonine 1306.
Molecular consequence: frameshift variant.
Genome position (GRCh38, 1-based): chr12:13,563,323, G duplicated on the plus strand (C on the coding strand, the reverse complement: GRIN2B is on the minus strand). VCF-style (leftmost placement, unchanged base first): chr12-13563322-T-TG. GRCh37 (hg19) VCF-style: chr12-13716256-T-TG.
Other names: c.3915dupC (NM_000834.3); c.3915dup (NM_000834.3); short protein forms T1306fs.
Identifiers: ClinVar variation 817269 (VCV000817269.2), dbSNP rs1591605549, ClinGen allele CA915947890.